The following is an entry in ClinVar:

ClinVar aggregate classification (germline): Uncertain significance. Review status: criteria provided, multiple submitters, no conflicts (2 of 4 stars). 2 submissions from 2 submitters: Uncertain significance (2). Last evaluated 2022-10-22.

Conditions:
Neuroblastoma, susceptibility to, 3. Also called: ALK-Related Neuroblastic Tumor Susceptibility. Identifiers: Orphanet 635, MedGen C2751681, MONDO:0013083, OMIM 613014.
Hereditary cancer-predisposing syndrome. Also called: Hereditary neoplastic syndrome; Tumor predisposition; Neoplastic Syndromes, Hereditary; Hereditary Cancer Syndrome. Identifiers: Orphanet 140162, MedGen C0027672, MeSH D009386, MONDO:0015356.

Allele frequency attached by ClinVar (database versions not stated): gnomAD exomes below 0.00001; TOPMed 0.00001.
gnomAD v4.1: 1 of 1,614,020 alleles (0.000062%); highest among the groups gnomAD compares: East Asian, 0.0022%; no homozygotes.

Submissions (2):

Ambry Genetics
Classification: Uncertain significance for Hereditary cancer-predisposing syndrome. Last evaluated: 2022-10-22. Review status: criteria provided, single submitter. Criteria: Ambry Variant Classification Scheme 2023. Collection method: clinical testing. Allele origin: germline.
Comment: The p.S1334N variant (also known as c.4001G>A), located in coding exon 27 of the ALK gene, results from a G to A substitution at nucleotide position 4001. The serine at codon 1334 is replaced by asparagine, an amino acid with highly similar properties. This amino acid position is conserved. In addition, this alteration is predicted to be tolerated by in silico analysis. Since supporting evidence is limited at this time, the clinical significance of this alteration remains unclear.

Labcorp Genetics (formerly Invitae), Labcorp
Classification: Uncertain significance for Neuroblastoma, susceptibility to, 3. Last evaluated: 2019-08-26. Review status: criteria provided, single submitter. Criteria: Invitae Variant Classification Sherloc (09022015). Collection method: clinical testing. Allele origin: germline.
Comment: In summary, the available evidence is currently insufficient to determine the role of this variant in disease. Therefore, it has been classified as a Variant of Uncertain Significance. Algorithms developed to predict the effect of missense changes on protein structure and function are either unavailable or do not agree on the potential impact of this missense change (SIFT: "Deleterious"; PolyPhen-2: "Probably Damaging"; Align-GVGD: "Class C0"). This variant has not been reported in the literature in individuals with ALK-related conditions. This variant is not present in population databases (ExAC no frequency). This sequence change replaces serine with asparagine at codon 1334 of the ALK protein (p.Ser1334Asn). The serine residue is highly conserved and there is a small physicochemical difference between serine and asparagine.

NM_004304.5(ALK):c.4001G>A (p.Ser1334Asn)

Gene: ALK (ALK receptor tyrosine kinase; minus strand). Cytogenetic location: 2p23.2.
Variant type: single nucleotide variant.
Coding change: c.4001G>A on transcript NM_004304.5 (MANE Select); coding-DNA position 4001, G replaced by A.
Protein change: p.Ser1334Asn; replaces serine 1334 with asparagine.
Molecular consequence: missense variant.
Genome position (GRCh38, 1-based): chr2:29,197,614, C>T on the plus strand (G>A on the coding strand, the complement: ALK is on the minus strand). VCF-style: chr2-29197614-C-T. GRCh37 (hg19) VCF-style: chr2-29420480-C-T.
Other names: c.797G>A, p.Ser266Asn (NM_001353765.2); short protein forms S266N, S1334N.
Identifiers: ClinVar variation 954238 (VCV000954238.12), dbSNP rs1209406542, ClinGen allele CA346466160.